The following is an entry in ClinVar:

NM_000051.4(ATM):c.1858T>A (p.Cys620Ser)

Gene: ATM (ATM serine/threonine kinase; plus strand). Cytogenetic location: 11q22.3.
Variant type: single nucleotide variant.
Coding change: c.1858T>A on transcript NM_000051.4 (MANE Select); coding-DNA position 1858, T replaced by A.
Protein change: p.Cys620Ser; replaces cysteine 620 with serine.
Molecular consequence: missense variant.
Genome position (GRCh38, 1-based): chr11:108,252,872, T>A. VCF-style: chr11-108252872-T-A. GRCh37 (hg19) VCF-style: chr11-108123599-T-A.
Other names: c.1858T>A, p.Cys620Ser (NM_001351834.2); short protein forms C620S.
Identifiers: ClinVar variation 1365089 (VCV001365089.8), dbSNP rs2080230578, ClinGen allele CA382535905.

ClinVar aggregate classification (germline): Uncertain significance (1 of 4 stars; one submission).

Conditions:
Ataxia-telangiectasia syndrome (AT). Also called: Cerebello-oculocutaneous telangiectasia; Immunodeficiency with ataxia telangiectasia; AT, COMPLEMENTATION GROUP C; Ataxia-telangiectasia, complementation group E; LOUIS-BAR SYNDROME; ATAXIA-TELANGIECTASIA, COMPLEMENTATION GROUP A. Identifiers: Orphanet 100, MedGen C0004135, MONDO:0008840, OMIM 208900.

Submission:

Labcorp Genetics (formerly Invitae), Labcorp
Classification: Uncertain significance for Ataxia-telangiectasia syndrome. Last evaluated: 2021-07-01. Review status: criteria provided, single submitter. Criteria: Invitae Variant Classification Sherloc (09022015). Collection method: clinical testing. Allele origin: germline.
Comment: In summary, the available evidence is currently insufficient to determine the role of this variant in disease. Therefore, it has been classified as a Variant of Uncertain Significance. Advanced modeling of protein sequence and biophysical properties (such as structural, functional, and spatial information, amino acid conservation, physicochemical variation, residue mobility, and thermodynamic stability) performed at Invitae indicates that this missense variant is not expected to disrupt ATM protein function. This variant is not present in population databases (ExAC no frequency). This variant has not been reported in the literature in individuals affected with ATM-related conditions. This sequence change replaces cysteine with serine at codon 620 of the ATM protein (p.Cys620Ser). The cysteine residue is weakly conserved and there is a moderate physicochemical difference between cysteine and serine.